The following is an entry in ClinVar:

NM_144997.7(FLCN):c.804G>C (p.Arg268=)

Gene: FLCN (folliculin; minus strand). Cytogenetic location: 17p11.2.
Variant type: single nucleotide variant.
Coding change: c.804G>C on transcript NM_144997.7 (MANE Select); coding-DNA position 804, G replaced by C.
Protein change: p.Arg268=; no amino-acid change (arginine 268 retained).
Molecular consequence: synonymous variant.
Genome position (GRCh38, 1-based): chr17:17,221,604, C>G on the plus strand (G>C on the coding strand, the complement: FLCN is on the minus strand). VCF-style: chr17-17221604-C-G. GRCh37 (hg19) VCF-style: chr17-17124918-C-G.
Other names: c.858G>C, p.Arg286= (NM_001353229.2); c.804G>C, p.Arg268= (NM_001353230.2, NM_001353231.2, NM_144606.7).
Identifiers: ClinVar variation 3773166 (VCV003773166.1).

ClinVar aggregate classification (germline): Benign (1 of 4 stars; one submission).

Conditions:
Birt-Hogg-Dube syndrome 1 (BHD1). Also called: FIBROFOLLICULOMAS WITH TRICHODISCOMAS AND ACROCHORDONS. Identifiers: Orphanet 122, MedGen CN375946, MONDO:0800445, OMIM 135150.

Submission:

Myriad Genetics, Inc.
Classification: Benign for Birt-Hogg-Dube syndrome 1. Last evaluated: 2024-10-23. Review status: criteria provided, single submitter. Criteria: Myriad Autosomal Dominant, Autosomal Recessive and X-Linked Classification Criteria (2023). Collection method: clinical testing. Allele origin: unknown.
Comment: This variant is considered benign. This variant is a silent/synonymous amino acid change and it is not expected to impact splicing.